The following is an entry in ClinVar:

ClinVar aggregate classification (germline): Conflicting classifications of pathogenicity. Review status: criteria provided, conflicting classifications (1 of 4 stars). 2 submissions from 2 submitters: Uncertain significance (1); Likely benign (1). Last evaluated 2025-05-23.

Conditions:
Inborn genetic diseases. Identifiers: MedGen C0950123, MeSH D030342.

Allele frequency attached by ClinVar (database versions not stated): gnomAD exomes 0.00002; gnomAD 0.00004; ExAC 0.00007; TOPMed 0.00003; 1000 Genomes Project 30x 0.00021; 1000 Genomes Project 0.00026.

Submissions (2):

Labcorp Genetics (formerly Invitae), Labcorp
Classification: Uncertain significance. Last evaluated: 2025-05-23. Review status: criteria provided, single submitter. Criteria: Invitae Variant Classification Sherloc (09022015). Collection method: clinical testing. Allele origin: germline.
Comment: This sequence change replaces arginine, which is basic and polar, with glutamine, which is neutral and polar, at codon 71 of the BCAP31 protein (p.Arg71Gln). This variant is present in population databases (rs782574376, gnomAD 0.009%). This variant has not been reported in the literature in individuals affected with BCAP31-related conditions. ClinVar contains an entry for this variant (Variation ID: 2900443). An algorithm developed to predict the effect of missense changes on protein structure and function outputs the following: PolyPhen-2: "Benign". The glutamine amino acid residue is found in multiple mammalian species, which suggests that this missense change does not adversely affect protein function. In summary, the available evidence is currently insufficient to determine the role of this variant in disease. Therefore, it has been classified as a Variant of Uncertain Significance.

Ambry Genetics
Classification: Likely benign for Inborn genetic diseases. Last evaluated: 2022-11-03. Review status: criteria provided, single submitter. Criteria: Ambry Variant Classification Scheme 2023. Collection method: clinical testing. Allele origin: germline.

NM_001256447.2(BCAP31):c.212G>A (p.Arg71Gln)

Gene: BCAP31 (B cell receptor associated protein 31; minus strand). Cytogenetic location: Xq28.
Variant type: single nucleotide variant.
Coding change: c.212G>A on transcript NM_001256447.2 (MANE Select); coding-DNA position 212, G replaced by A.
Protein change: p.Arg71Gln; replaces arginine 71 with glutamine.
Molecular consequence: missense variant.
Genome position (GRCh38, 1-based): chrX:153,715,671, C>T on the plus strand (G>A on the coding strand, the complement: BCAP31 is on the minus strand). VCF-style: chrX-153715671-C-T. GRCh37 (hg19) VCF-style: chrX-152981126-C-T.
Other names: c.212G>A, p.Arg71Gln (NM_001139441.1, NM_005745.8); c.413G>A, p.Arg138Gln (NM_001139457.2); c.413G>A (NM_001139457.1); short protein forms R71Q, R138Q.
Identifiers: ClinVar variation 2900443 (VCV002900443.4), dbSNP rs782574376, ClinGen allele CA10549807.
Genomic context (GRCh38, chrX:153,715,671, plus strand): 5'-TGCTCCATGGCCCCGGGATTGTTCTGGAGGTTCACCTTTTCCGTCACATCATCATACTTC[C>T]GAATTTCGCGCACGGCATCTGTGGTGGAGCAGAGAGGAGACACGGGCATTTAGCGGACAC-3'
Protein context (NP_001243376.1, residues 61-81): LLVIDAVREI[Arg71Gln]KYDDVTEKVN